The following is an entry in ClinVar:

NM_005876.5(SPEG):c.6906G>A (p.Val2302=)

Genes: ASIC4-AS1 (ASIC4 antisense RNA 1; minus strand), SPEG (striated muscle enriched protein kinase; plus strand). Cytogenetic location: 2q35.
Variant type: single nucleotide variant.
Coding change: c.6906G>A on transcript NM_005876.5 (MANE Select); coding-DNA position 6906, G replaced by A.
Protein change: p.Val2302=; no amino-acid change (valine 2302 retained).
Molecular consequence: synonymous variant.
Genome position (GRCh38, 1-based): chr2:219,484,369, G>A. VCF-style: chr2-219484369-G-A. GRCh37 (hg19) VCF-style: chr2-220349091-G-A.
Identifiers: ClinVar variation 2651928 (VCV002651928.24), dbSNP rs2545940913, ClinGen allele CA431430597.

ClinVar aggregate classification (germline): Likely benign (1 of 4 stars; one submission).

Submission:

CeGaT Center for Human Genetics Tuebingen
Classification: Likely benign. Last evaluated: 2023-01-01. Review status: criteria provided, single submitter. Criteria: CeGaT Center For Human Genetics Tuebingen Variant Classification Criteria Version 2. Collection method: clinical testing. Allele origin: germline. Affected: yes. Observed: 1 variant allele.
Comment: SPEG: PM2:Supporting, BP4, BP7